The following is an entry in ClinVar:

ClinVar aggregate classification (germline): Uncertain significance (1 of 4 stars; one submission).

Conditions:
Chédiak-Higashi syndrome (CHS). Also called: Chediak-Higashi Syndrome. Identifiers: Orphanet 167, MedGen C0007965, MONDO:0008963, OMIM 214500.

Allele frequency attached by ClinVar (database versions not stated): gnomAD exomes below 0.00001; ExAC 0.00002; gnomAD 0.00003; TOPMed 0.00003; 1000 Genomes Project 30x 0.00016; 1000 Genomes Project 0.00020.
gnomAD v4.1: 10 of 1,613,550 alleles (0.00062%); highest among the groups gnomAD compares: African/African-American, 0.011%; no homozygotes.

Submission:

Labcorp Genetics (formerly Invitae), Labcorp
Classification: Uncertain significance for Chédiak-Higashi syndrome. Last evaluated: 2025-11-30. Review status: criteria provided, single submitter. Criteria: Invitae Variant Classification Sherloc (09022015). Collection method: clinical testing. Allele origin: germline.
Comment: This sequence change replaces asparagine, which is neutral and polar, with serine, which is neutral and polar, at codon 2030 of the LYST protein (p.Asn2030Ser). This variant is present in population databases (rs202201080, gnomAD 0.01%). This variant has not been reported in the literature in individuals affected with LYST-related conditions. ClinVar contains an entry for this variant (Variation ID: 2197844). Invitae Evidence Modeling of protein sequence and biophysical properties (such as structural, functional, and spatial information, amino acid conservation, physicochemical variation, residue mobility, and thermodynamic stability) indicates that this missense variant is not expected to disrupt LYST protein function with a negative predictive value of 80%. In summary, the available evidence is currently insufficient to determine the role of this variant in disease. Therefore, it has been classified as a Variant of Uncertain Significance.

NM_000081.4(LYST):c.6089A>G (p.Asn2030Ser)

Gene: LYST (lysosomal trafficking regulator; minus strand). Cytogenetic location: 1q42.3.
Variant type: single nucleotide variant.
Coding change: c.6089A>G on transcript NM_000081.4 (MANE Select); coding-DNA position 6089, A replaced by G.
Protein change: p.Asn2030Ser; replaces asparagine 2030 with serine.
Molecular consequence: missense variant.
Genome position (GRCh38, 1-based): chr1:235,766,111, T>C on the plus strand (A>G on the coding strand, the complement: LYST is on the minus strand). VCF-style: chr1-235766111-T-C. GRCh37 (hg19) VCF-style: chr1-235929411-T-C.
Other names: c.6089A>G, p.Asn2030Ser (NM_001301365.1); short protein forms N2030S.
Identifiers: ClinVar variation 2197844 (VCV002197844.4), dbSNP rs202201080, ClinGen allele CA1466464.